The following is an entry in ClinVar:

ClinVar aggregate classification (germline): Uncertain significance (1 of 4 stars; one submission).

Allele frequency attached by ClinVar (database versions not stated): gnomAD exomes below 0.00001.

Submission:

GeneDx
Classification: Uncertain significance. Last evaluated: 2023-03-02. Review status: criteria provided, single submitter. Criteria: GeneDx Variant Classification Process June 2021. Collection method: clinical testing. Allele origin: germline. Affected: yes.
Comment: Not observed at significant frequency in large population cohorts (gnomAD); In silico analysis is inconclusive as to whether the variant alters gene splicing. In the absence of RNA/functional studies, the actual effect of this sequence change is unknown.; Has not been previously published as pathogenic or benign to our knowledge

NM_000168.6(GLI3):c.1813-11G>A

Gene: GLI3 (GLI family zinc finger 3; minus strand). Cytogenetic location: 7p14.1.
Variant type: single nucleotide variant.
Coding change: c.1813-11G>A on transcript NM_000168.6 (MANE Select); 11 bases into the intron before coding-DNA position 1813, G replaced by A.
Molecular consequence: intron variant.
Genome position (GRCh38, 1-based): chr7:41,972,638, C>T on the plus strand (G>A on the coding strand, the complement: GLI3 is on the minus strand). VCF-style: chr7-41972638-C-T. GRCh37 (hg19) VCF-style: chr7-42012237-C-T.
Identifiers: ClinVar variation 2578095 (VCV002578095.1), dbSNP rs2484419851, ClinGen allele CA2580617622.